The following is an entry in ClinVar:

NM_007198.4(PLPBP):c.429C>A (p.Val143=)

Gene: PLPBP (pyridoxal phosphate binding protein; plus strand). Cytogenetic location: 8p11.23.
Variant type: single nucleotide variant.
Coding change: c.429C>A on transcript NM_007198.4 (MANE Select); coding-DNA position 429, C replaced by A.
Protein change: p.Val143=; no amino-acid change (valine 143 retained).
Molecular consequence: synonymous variant.
Genome position (GRCh38, 1-based): chr8:37,772,864, C>A. VCF-style: chr8-37772864-C-A. GRCh37 (hg19) VCF-style: chr8-37630382-C-A.
Other names: c.429C>A, p.Val143= (NM_001349346.2); c.423C>A, p.Val141= (NM_001349347.2); c.273C>A, p.Val91= (NM_001349348.2); c.429C>A (NM_007198.3).
Identifiers: ClinVar variation 1998086 (VCV001998086.6), dbSNP rs2487385933, ClinGen allele CA460359157.

ClinVar aggregate classification (germline): Likely benign. Review status: criteria provided, single submitter (1 of 4 stars). 2 submissions from 2 submitters: Likely benign (1). 1 of the submissions does not count toward it. Last evaluated 2023-10-03.

Conditions:
PLPBP-related disorder. Also called: PLPBP-related condition.

Allele frequency attached by ClinVar (database versions not stated): gnomAD exomes below 0.00001.

Submissions (2):

Labcorp Genetics (formerly Invitae), Labcorp
Classification: Likely benign. Last evaluated: 2023-10-03. Review status: criteria provided, single submitter. Criteria: Invitae Variant Classification Sherloc (09022015). Collection method: clinical testing. Allele origin: germline.

PreventionGenetics, part of Exact Sciences
Classification: Likely benign for PLPBP-related condition. Last evaluated: 2019-08-09. Review status: no assertion criteria provided. Collection method: clinical testing. Allele origin: germline. Not counted in ClinVar's aggregate classification.
Comment: This variant is classified as likely benign based on ACMG/AMP sequence variant interpretation guidelines (Richards et al. 2015 PMID: 25741868, with internal and published modifications).